The following is an entry in ClinVar:

ClinVar aggregate classification (germline): Uncertain significance (1 of 4 stars; one submission).

Submission:

CeGaT Center for Human Genetics Tuebingen
Classification: Uncertain significance. Last evaluated: 2026-07-01. Review status: criteria provided, single submitter. Criteria: CeGaT Center For Human Genetics Tuebingen Variant Classification Criteria Version 2. Collection method: clinical testing. Allele origin: germline. Affected: yes. Observed: 1 variant allele.
Comment: LRBA: PM2

NM_001364905.1(LRBA):c.2615C>G (p.Ser872Cys)

Gene: LRBA (LPS responsive beige-like anchor protein; minus strand). Cytogenetic location: 4q31.3.
Variant type: single nucleotide variant.
Coding change: c.2615C>G on transcript NM_001364905.1 (MANE Select); coding-DNA position 2615, C replaced by G.
Protein change: p.Ser872Cys; replaces serine 872 with cysteine.
Molecular consequence: missense variant.
Genome position (GRCh38, 1-based): chr4:150,867,822, G>C on the plus strand (C>G on the coding strand, the complement: LRBA is on the minus strand). VCF-style: chr4-150867822-G-C. GRCh37 (hg19) VCF-style: chr4-151788974-G-C.
Other names: c.2615C>G, p.Ser872Cys (NM_001199282.3, NM_001367550.1, NM_001440430.1 and 2 more transcripts); short protein forms S872C.
Identifiers: ClinVar variation 5039930 (VCV005039930.1).
Genomic context (GRCh38, chr4:150,867,822, plus strand): 5'-GCGTATACCATTTCTGTTATCTTTTGCTCATCTGAATTCTTAGGATTAAAATAGCAGAGA[G>C]AAAGCATCCATTCTTGCCACACAGAGCATTGTAGCAAGCTCCTGAAAATTATGAGAGGGT-3'
Protein context (NP_001351834.1, residues 862-882): QCSVWQEWML[Ser872Cys]LCYFNPKNSD